The following is an entry in ClinVar:

ClinVar aggregate classification (germline): Uncertain significance (1 of 4 stars; one submission).

Allele frequency attached by ClinVar (database versions not stated): gnomAD exomes below 0.00001; gnomAD 0.00001; TOPMed 0.00001; 1000 Genomes Project 30x 0.00016; 1000 Genomes Project 0.00020.
gnomAD v4.1: 3 of 1,613,654 alleles (0.00019%); highest among the groups gnomAD compares: African/African-American, 0.0013%; no homozygotes.

Submission:

Labcorp Genetics (formerly Invitae), Labcorp
Classification: Uncertain significance. Last evaluated: 2022-08-23. Review status: criteria provided, single submitter. Criteria: Invitae Variant Classification Sherloc (09022015). Collection method: clinical testing. Allele origin: germline.
Comment: In summary, the available evidence is currently insufficient to determine the role of this variant in disease. Therefore, it has been classified as a Variant of Uncertain Significance. This sequence change creates a premature translational stop signal (p.Arg1188*) in the SAMD9L gene. While this is not anticipated to result in nonsense mediated decay, it is expected to disrupt the last 397 amino acid(s) of the SAMD9L protein. This variant is present in population databases (rs572865269, gnomAD 0.0009%). This variant has not been reported in the literature in individuals affected with SAMD9L-related conditions. Experimental studies and prediction algorithms are not available or were not evaluated, and the functional significance of this variant is currently unknown.

NM_152703.5(SAMD9L):c.3562C>T (p.Arg1188Ter)

Gene: SAMD9L (sterile alpha motif domain containing 9 like; minus strand). Cytogenetic location: 7q21.2.
Variant type: single nucleotide variant.
Coding change: c.3562C>T on transcript NM_152703.5 (MANE Select); coding-DNA position 3562, C replaced by T.
Protein change: p.Arg1188Ter; replaces arginine 1188 with a stop codon.
Molecular consequence: nonsense.
Genome position (GRCh38, 1-based): chr7:93,132,410, G>A on the plus strand (C>T on the coding strand, the complement: SAMD9L is on the minus strand). VCF-style: chr7-93132410-G-A. GRCh37 (hg19) VCF-style: chr7-92761723-G-A.
Other names: c.3562C>T, p.Arg1188Ter (NM_001303496.3, NM_001303497.3, NM_001303498.3 and 5 more transcripts); short protein forms R1188*.
Identifiers: ClinVar variation 1908983 (VCV001908983.5), dbSNP rs572865269, ClinGen allele CA161959200.